The following is an entry in ClinVar:

ClinVar aggregate classification (germline): Pathogenic/Likely pathogenic. Review status: criteria provided, multiple submitters, no conflicts (2 of 4 stars). 5 submissions from 5 submitters: Pathogenic (4); Likely pathogenic (1). Last evaluated 2025-06-18.

Conditions:
Hereditary cancer-predisposing syndrome. Also called: Neoplastic Syndromes, Hereditary; Tumor predisposition; Hereditary Cancer Syndrome; Hereditary neoplastic syndrome. Identifiers: Orphanet 140162, MedGen C0027672, MeSH D009386, MONDO:0015356.
Familial adenomatous polyposis 1 (FAP1). Also called: FAMILIAL ADENOMATOUS POLYPOSIS 1, ATTENUATED; POLYPOSIS, ADENOMATOUS INTESTINAL. Identifiers: MedGen C2713442, MONDO:0021056, OMIM 175100. Disease mechanism: loss of function.

Submissions (5):

Labcorp Genetics (formerly Invitae), Labcorp
Classification: Pathogenic for Familial adenomatous polyposis 1. Last evaluated: 2025-06-18. Review status: criteria provided, single submitter. Criteria: Invitae Variant Classification Sherloc (09022015). Collection method: clinical testing. Allele origin: germline.
Comment: This sequence change creates a premature translational stop signal (p.Leu2493Ilefs*17) in the APC gene. While this is not anticipated to result in nonsense mediated decay, it is expected to disrupt the last 351 amino acid(s) of the APC protein. This variant is not present in population databases (gnomAD no frequency). This variant has not been reported in the literature in individuals affected with APC-related conditions. This variant is expected to disrupt the EB1 and HDLG binding sites, which mediate interactions with the cytoskeleton (PMID: 15311282, 17293347). While functional studies have not been performed to directly test the effect on APC protein function, this suggests that disruption of the C-terminal portion of the protein is functionally important. A different truncation (p.Tyr2645Lysfs*14) that lies downstream of this variant has been determined to be pathogenic (PMID: 9824584, 1316610, 27081525, 8381579, 22135120, internal data). This suggests that deletion of this region of the APC protein is causative of disease. For these reasons, this variant has been classified as Pathogenic.

Quest Diagnostics Nichols Institute San Juan Capistrano
Classification: Pathogenic. Last evaluated: 2025-01-30. Review status: criteria provided, single submitter. Criteria: Quest Diagnostics criteria. Collection method: clinical testing. Allele origin: unknown.
Comment: The APC c.7477_7478del (p.Leu2493Ilefs*17) variant alters the translational reading frame of the APC mRNA and causes the premature termination of APC protein synthesis. This variant has been reported in the published literature in an individual with bladder cancer (PMID: 31844177 (2020)). This variant has not been reported in large, multi-ethnic general populations (Genome Aggregation Database). Based on the available information, this variant is classified as pathogenic.

Ambry Genetics
Classification: Pathogenic for Hereditary cancer-predisposing syndrome. Last evaluated: 2024-05-20. Review status: criteria provided, single submitter. Criteria: Ambry Variant Classification Scheme 2023. Collection method: clinical testing. Allele origin: germline.
Comment: The c.7477_7478delCT pathogenic mutation, located in coding exon 15 of the APC gene, results from a deletion of two nucleotides at nucleotide positions 7477 to 7478, causing a translational frameshift with a predicted alternate stop codon (p.L2493Ifs*17). This alteration is expected to result in loss of function by premature protein truncation. As such, this alteration is interpreted as a disease-causing mutation.

Myriad Genetics, Inc.
Classification: Pathogenic for Familial adenomatous polyposis 1. Last evaluated: 2023-05-16. Review status: criteria provided, single submitter. Criteria: Myriad Autosomal Dominant, Autosomal Recessive and X-Linked Classification Criteria (2023). Collection method: clinical testing. Allele origin: unknown.
Comment: This variant is considered pathogenic. This variant creates a frameshift predicted to result in premature protein truncation.

Baylor Genetics
Classification: Likely pathogenic for Familial adenomatous polyposis 1. Last evaluated: 2021-12-28. Review status: criteria provided, single submitter. Criteria: ACMG Guidelines, 2015. Collection method: clinical testing. Allele origin: unknown.

Literature cited by the submitters: PubMed 15311282 (cited by Labcorp Genetics (formerly Invitae), Labcorp); PubMed 17293347 (cited by Labcorp Genetics (formerly Invitae), Labcorp); PubMed 9824584 (cited by Labcorp Genetics (formerly Invitae), Labcorp); PubMed 1316610 (cited by Labcorp Genetics (formerly Invitae), Labcorp); PubMed 27081525 (cited by Labcorp Genetics (formerly Invitae), Labcorp); PubMed 8381579 (cited by Labcorp Genetics (formerly Invitae), Labcorp); PubMed 22135120 (cited by Labcorp Genetics (formerly Invitae), Labcorp); PubMed 31844177 (cited by Quest Diagnostics Nichols Institute San Juan Capistrano).

NM_000038.6(APC):c.7477_7478del (p.Leu2493fs)

Gene: APC (APC regulator of Wnt signaling pathway; plus strand). Cytogenetic location: 5q22.2.
Variant type: Microsatellite.
Coding change: c.7477_7478del on transcript NM_000038.6 (MANE Select); coding-DNA positions 7477 to 7478, 2 bases deleted (CT; older notation c.7477_7478delCT).
Protein change: p.Leu2493fs; shifts the reading frame from leucine 2493.
Molecular consequence: frameshift variant.
Genome position (GRCh38, 1-based): chr5:112,843,071-112,843,072, CT deleted; deleting any 2 consecutive bases within chr5:112,843,068-112,843,072 gives the same sequence; the c. name uses the placement nearest the transcript's 3' end. VCF-style (leftmost placement, unchanged base first): chr5-112843067-GTC-G. GRCh37 (hg19) VCF-style: chr5-112178764-GTC-G.
Other names: c.7477_7478del, p.Leu2493fs (NM_001127510.3, NM_001354895.2); c.7423_7424del, p.Leu2475fs (NM_001127511.3); c.7531_7532del, p.Leu2511fs (NM_001354896.2); c.7507_7508del, p.Leu2503fs (NM_001354897.2); c.7402_7403del, p.Leu2468fs (NM_001354898.2); c.7393_7394del, p.Leu2465fs (NM_001354899.2); c.7354_7355del, p.Leu2452fs (NM_001354900.2); c.7300_7301del, p.Leu2434fs (NM_001354901.2); and 5 more; short protein forms L2392fs, L2402fs, L2475fs, L2503fs, L2465fs, L2210fs, L2434fs, L2468fs.
Identifiers: ClinVar variation 482379 (VCV000482379.20), dbSNP rs1554088391, ClinGen allele CA446210786.